The following is an entry in ClinVar:

ClinVar aggregate classification (germline): Pathogenic/Likely pathogenic. Review status: criteria provided, multiple submitters, no conflicts (2 of 4 stars). 3 submissions from 3 submitters: Pathogenic (1); Likely pathogenic (2). Last evaluated 2025-06-12.

Conditions:
X-linked Alport syndrome (ATS1). Also called: COL4A5-Related Nephropathy; NEPHROPATHY AND DEAFNESS, X-LINKED. Identifiers: Orphanet 63, Orphanet 88917, MedGen C4746986, MONDO:0010520, OMIM 301050.

Submissions (3):

3billion
Classification: Pathogenic for X-linked Alport syndrome. Last evaluated: 2025-06-12. Review status: criteria provided, single submitter. Criteria: ACMG Guidelines, 2015. Collection method: clinical testing. Allele origin: germline. Affected: yes.
Comment: The variant is not observed in the gnomAD v4.1.0 dataset. Predicted Consequence/Location: The variant is located in a mutational hot spot and/or well-established functional domain in which established pathogenic variants have been reported. In silico tool predictions suggest damaging effect of the variant on gene or gene product [REVEL: 0.95 (>=0.6, sensitivity 0.68 and specificity 0.92); 3Cnet: 0.90 (> 0.75, sensitivity 0.96 and precision 0.92)]. The same nucleotide change resulting in the same amino acid change has been previously reported as pathogenic/likely pathogenic with strong evidence (ClinVar ID: VCV001475138). Different missense changes at the same codon (p.Gly576Arg, p.Gly576Ser) have been reported to be associated with COL4A5-related disorder (ClinVar ID: VCV003597904 /PMID: 20378821 /3billion dataset). Therefore, this variant is classified as Pathogenic according to the recommendation of ACMG/AMP guideline.

Fulgent Genetics
Classification: Likely pathogenic for X-linked Alport syndrome. Last evaluated: 2024-01-16. Review status: criteria provided, single submitter. Criteria: ACMG Guidelines, 2015. Collection method: clinical testing. Allele origin: germline.

Labcorp Genetics (formerly Invitae), Labcorp
Classification: Likely pathogenic. Last evaluated: 2021-05-11. Review status: criteria provided, single submitter. Criteria: Invitae Variant Classification Sherloc (09022015). Collection method: clinical testing. Allele origin: germline.
Comment: This variant has not been reported in the literature in individuals with COL4A5-related conditions. This variant is not present in population databases (ExAC no frequency). This sequence change replaces glycine with aspartic acid at codon 576 of the COL4A5 protein (p.Gly576Asp). The glycine residue is highly conserved and there is a moderate physicochemical difference between glycine and aspartic acid. Advanced modeling of protein sequence and biophysical properties (such as structural, functional, and spatial information, amino acid conservation, physicochemical variation, residue mobility, and thermodynamic stability) performed at Invitae indicates that this missense variant is expected to disrupt COL4A5 protein function. In summary, the currently available evidence indicates that the variant is pathogenic, but additional data are needed to prove that conclusively. Therefore, this variant has been classified as Likely Pathogenic. Glycine residues within the Gly-Xaa-Yaa repeats of the triple helix domain are required for the structure and stability of fibrillar collagens (PMID: 7695699, 8218237, 19344236). In COL4A5, missense variants at these glycine residues are significantly enriched in individuals with disease (PMID: 23720012, 27627812) compared to the general population (ExAC).

Literature cited by the submitters: PubMed 20378821 (cited by 3billion); PubMed 7695699 (cited by Labcorp Genetics (formerly Invitae), Labcorp); PubMed 8218237 (cited by Labcorp Genetics (formerly Invitae), Labcorp); PubMed 19344236 (cited by Labcorp Genetics (formerly Invitae), Labcorp); PubMed 23720012 (cited by Labcorp Genetics (formerly Invitae), Labcorp); PubMed 27627812 (cited by Labcorp Genetics (formerly Invitae), Labcorp).

NM_033380.3(COL4A5):c.1727G>A (p.Gly576Asp)

Gene: COL4A5 (collagen type IV alpha 5 chain; plus strand). Cytogenetic location: Xq22.3.
Variant type: single nucleotide variant.
Coding change: c.1727G>A on transcript NM_033380.3 (MANE Select); coding-DNA position 1727, G replaced by A.
Protein change: p.Gly576Asp; replaces glycine 576 with aspartic acid.
Molecular consequence: missense variant.
Genome position (GRCh38, 1-based): chrX:108,597,516, G>A. VCF-style: chrX-108597516-G-A. GRCh37 (hg19) VCF-style: chrX-107840746-G-A.
Other names: c.1727G>A, p.Gly576Asp (NM_000495.5); short protein forms G576D.
Identifiers: ClinVar variation 1475138 (VCV001475138.11), dbSNP rs2147810410, ClinGen allele CA413845480.
Genomic context (GRCh38, chrX:108,597,516, plus strand): 5'-TGAAGGGTGACAAAGGAGAGTTGGGTTCCCCTGGAGCTCCAGGGCTTCCTGGTTTACCTG[G>A]CACTCCTGGACAGGATGGATTGCCAGGGCTTCCTGGCCCGAAAGGAGAGCCTGTGAGTTG-3'
Protein context (NP_203699.1, residues 566-586): PGAPGLPGLP[Gly576Asp]TPGQDGLPGL